The following is an entry in ClinVar:

ClinVar aggregate classification (germline): Pathogenic (1 of 4 stars; one submission).

Conditions:
Hereditary cancer-predisposing syndrome. Also called: Neoplastic Syndromes, Hereditary; Tumor predisposition; Hereditary Cancer Syndrome; Hereditary neoplastic syndrome. Identifiers: Orphanet 140162, MedGen C0027672, MeSH D009386, MONDO:0015356.

Submission:

Ambry Genetics
Classification: Pathogenic for Hereditary cancer-predisposing syndrome. Last evaluated: 2025-10-07. Review status: criteria provided, single submitter. Criteria: Ambry Variant Classification Scheme 2023. Collection method: clinical testing. Allele origin: germline.
Comment: The c.202dupA pathogenic mutation, located in coding exon 2 of the BRIP1 gene, results from a duplication of A at nucleotide position 202, causing a translational frameshift with a predicted alternate stop codon (p.S68Kfs*7). This variant is considered to be rare based on population cohorts in the Genome Aggregation Database (gnomAD). This alteration is expected to result in loss of function by premature protein truncation or nonsense-mediated mRNA decay. As such, this alteration is interpreted as a disease-causing mutation.

NM_032043.3(BRIP1):c.202dup (p.Ser68fs)

Gene: BRIP1 (BRCA1 interacting DNA helicase 1; minus strand). Cytogenetic location: 17q23.2.
Variant type: Duplication.
Coding change: c.202dup on transcript NM_032043.3 (MANE Select); coding-DNA position 202, one base duplicated (A; older notation c.202dupA).
Protein change: p.Ser68fs; shifts the reading frame from serine 68.
Molecular consequence: frameshift variant.
Genome position (GRCh38, 1-based): chr17:61,859,799, T duplicated on the plus strand (A on the coding strand, the reverse complement: BRIP1 is on the minus strand). VCF-style (leftmost placement, unchanged base first): chr17-61859798-C-CT. GRCh37 (hg19) VCF-style: chr17-59937159-C-CT.
Other names: c.202dupA (NM_032043.2); short protein forms S68fs.
Identifiers: ClinVar variation 4630790 (VCV004630790.1).